The following is an entry in ClinVar:

NM_080669.6(SLC46A1):c.*2217A>G

Genes: SARM1 (sterile alpha and TIR motif containing 1; plus strand), SLC46A1 (solute carrier family 46 member 1; minus strand). Cytogenetic location: 17q11.2.
Variant type: single nucleotide variant.
Coding change: c.*2217A>G on transcript NM_080669.6 (MANE Select); 2217 bases downstream of the stop codon, A replaced by G.
Molecular consequence: 3 prime UTR variant.
Genome position (GRCh38, 1-based): chr17:28,397,439, T>C on the plus strand (A>G on the coding strand, the complement: SLC46A1 is on the minus strand). VCF-style: chr17-28397439-T-C. GRCh37 (hg19) VCF-style: chr17-26724458-T-C.
Other names: c.*2217A>G (NM_001242366.3); c.*1153T>C (NM_015077.4).
Identifiers: ClinVar variation 892119 (VCV000892119.4), dbSNP rs41297923, ClinGen allele CA289111642.
Genomic context (GRCh38, chr17:28,397,439, plus strand): 5'-CAAATCTCTAAAGCACGAAGCCCTCACAAATCTTTGCCATTTCCCAAACACTCCGCTCCA[T>C]GGTCTCCAGTCATCAGAGCAACTCTACCTGGTATTATCATCCCCATTTTACAGATAATGA-3'

ClinVar aggregate classification (germline): Benign (1 of 4 stars; one submission).

Conditions:
Congenital defect of folate absorption. Also called: Hereditary Folate Malabsorption. Identifiers: Orphanet 90045, MedGen C0342705, MONDO:0009238, OMIM 229050.

Allele frequency attached by ClinVar (database versions not stated): 1000 Genomes Project 30x 0.00453; gnomAD 0.00494 and 0.00539; 1000 Genomes Project 0.00499; TOPMed 0.00534.

Submission:

Illumina Laboratory Services, Illumina
Classification: Benign for Congenital defect of folate absorption. Last evaluated: 2018-01-12. Review status: criteria provided, single submitter. Criteria: ICSL Variant Classification Criteria 13 December 2019. Collection method: clinical testing. Allele origin: germline.
Comment: This variant was observed in the ICSL laboratory as part of a predisposition screen in an ostensibly healthy population. It had not been previously curated by ICSL or reported in the Human Gene Mutation Database (HGMD: prior to June 1st, 2018), and was therefore a candidate for classification through an automated scoring system. Utilizing variant allele frequency, disease prevalence and penetrance estimates, and inheritance mode, an automated score was calculated to assess if this variant is too frequent to cause the disease. Based on the score and internal cut-off values, a variant classified as benign is not then subjected to further curation. The score for this variant resulted in a classification of benign for this disease.